The following is an entry in ClinVar:

ClinVar aggregate classification (germline): Conflicting classifications of pathogenicity. Review status: criteria provided, conflicting classifications (1 of 4 stars). 3 submissions from 3 submitters: Uncertain significance (2); Likely benign (1). Last evaluated 2026-03-30.

Conditions:
Inborn genetic diseases. Identifiers: MedGen C0950123, MeSH D030342.
Rubinstein-Taybi syndrome due to EP300 haploinsufficiency. Also called: EP300-Related Rubinstein-Taybi Syndrome; RUBINSTEIN-TAYBI SYNDROME 2. Identifiers: Orphanet 353284, Orphanet 783, MedGen C3150941, MONDO:0013364, OMIM 613684.
EP300-related disorder. Also called: EP300-related condition; EP300-related disorders.

Allele frequency attached by ClinVar (database versions not stated): gnomAD exomes 0.00002; gnomAD 0.00003; TOPMed 0.00003.

Submissions (3):

PreventionGenetics, part of Exact Sciences
Classification: Uncertain significance for EP300-related condition. Last evaluated: 2026-03-30. Review status: criteria provided, single submitter. Criteria: ACMG Guidelines, 2015. Collection method: clinical testing. Allele origin: germline.
Comment: The EP300 c.487A>G variant is predicted to result in the amino acid substitution p.Met163Val. To our knowledge, this variant has not been reported in the literature. This variant is reported in 0.00088% of alleles in individuals of European (Non-Finnish) descent in gnomAD. At this time, the clinical significance of this variant is uncertain due to the absence of conclusive functional and genetic evidence.

Labcorp Genetics (formerly Invitae), Labcorp
Classification: Likely benign for Rubinstein-Taybi syndrome due to EP300 haploinsufficiency. Last evaluated: 2024-06-17. Review status: criteria provided, single submitter. Criteria: Invitae Variant Classification Sherloc (09022015). Collection method: clinical testing. Allele origin: germline.

Ambry Genetics
Classification: Uncertain significance for Inborn genetic diseases. Last evaluated: 2022-10-12. Review status: criteria provided, single submitter. Criteria: Ambry Variant Classification Scheme 2023. Collection method: clinical testing. Allele origin: germline.

NM_001429.4(EP300):c.487A>G (p.Met163Val)

Gene: EP300 (EP300 lysine acetyltransferase; plus strand). Cytogenetic location: 22q13.2.
Variant type: single nucleotide variant.
Coding change: c.487A>G on transcript NM_001429.4 (MANE Select); coding-DNA position 487, A replaced by G.
Protein change: p.Met163Val; replaces methionine 163 with valine.
Molecular consequence: missense variant.
Genome position (GRCh38, 1-based): chr22:41,117,579, A>G. VCF-style: chr22-41117579-A-G. GRCh37 (hg19) VCF-style: chr22-41513583-A-G.
Other names: c.487A>G, p.Met163Val (NM_001362843.2); short protein forms M163V.
Identifiers: ClinVar variation 2219711 (VCV002219711.5), dbSNP rs754310554, ClinGen allele CA324512265.